The following is an entry in ClinVar:

NM_138477.4(CDAN1):c.1036_1040del (p.Glu346fs)

Gene: CDAN1 (codanin 1; minus strand). Cytogenetic location: 15q15.2.
Variant type: Deletion.
Coding change: c.1036_1040del on transcript NM_138477.4 (MANE Select); coding-DNA positions 1036 to 1040, 5 bases deleted (GAACT; older notation c.1036_1040delGAACT).
Protein change: p.Glu346fs; shifts the reading frame from glutamic acid 346.
Molecular consequence: frameshift variant.
Genome position (GRCh38, 1-based): chr15:42,735,278-42,735,282, AGTTC deleted on the plus strand (GAACT on the coding strand, the reverse complement: CDAN1 is on the minus strand); deleting any 5 consecutive bases within chr15:42,735,278-42,735,284 gives the same sequence; the c. name uses the placement nearest the transcript's 3' end. VCF-style (leftmost placement, unchanged base first): chr15-42735277-TAGTTC-T. GRCh37 (hg19) VCF-style: chr15-43027475-TAGTTC-T.
Other names: short protein forms E346fs.
Identifiers: ClinVar variation 2131784 (VCV002131784.4), dbSNP rs2506128866, ClinGen allele CA2580089422.

ClinVar aggregate classification (germline): Pathogenic (1 of 4 stars; one submission).

Submission:

Labcorp Genetics (formerly Invitae), Labcorp
Classification: Pathogenic. Last evaluated: 2024-02-23. Review status: criteria provided, single submitter. Criteria: Invitae Variant Classification Sherloc (09022015). Collection method: clinical testing. Allele origin: germline.
Comment: This sequence change creates a premature translational stop signal (p.Glu346Lysfs*47) in the CDAN1 gene. It is expected to result in an absent or disrupted protein product. Loss-of-function variants in CDAN1 are known to be pathogenic (PMID: 16098079, 16141353). This variant is not present in population databases (gnomAD no frequency). This variant has not been reported in the literature in individuals affected with CDAN1-related conditions. ClinVar contains an entry for this variant (Variation ID: 2131784). For these reasons, this variant has been classified as Pathogenic.

Literature cited by the submitters: PubMed 16098079; PubMed 16141353.